The following is an entry in ClinVar:

NM_199420.4(POLQ):c.7039C>G (p.Arg2347Gly)

Gene: POLQ (DNA polymerase theta; minus strand). Cytogenetic location: 3q13.33.
Variant type: single nucleotide variant.
Coding change: c.7039C>G on transcript NM_199420.4 (MANE Select); coding-DNA position 7039, C replaced by G.
Protein change: p.Arg2347Gly; replaces arginine 2347 with glycine.
Molecular consequence: missense variant.
Genome position (GRCh38, 1-based): chr3:121,460,163, G>C on the plus strand (C>G on the coding strand, the complement: POLQ is on the minus strand). VCF-style: chr3-121460163-G-C. GRCh37 (hg19) VCF-style: chr3-121179010-G-C.
Other names: short protein forms R2347G.
Identifiers: ClinVar variation 1756813 (VCV001756813.2), dbSNP rs376597667, ClinGen allele CA354107412.

ClinVar aggregate classification (germline): Uncertain significance (1 of 4 stars; one submission).

Submission:

Ambry Genetics
Classification: Uncertain significance. Last evaluated: 2022-08-01. Review status: criteria provided, single submitter. Criteria: Ambry Variant Classification Scheme 2023. Collection method: clinical testing. Allele origin: germline.
Comment: The p.R2347G variant (also known as c.7039C>G), located in coding exon 25 of the POLQ gene, results from a C to G substitution at nucleotide position 7039. The arginine at codon 2347 is replaced by glycine, an amino acid with dissimilar properties. This amino acid position is conserved. In addition, the in silico prediction for this alteration is inconclusive. Since supporting evidence is limited at this time, the clinical significance of this alteration remains unclear.